The following is an entry in ClinVar:

ClinVar aggregate classification (germline): Uncertain significance (1 of 4 stars; one submission).

Conditions:
Inborn genetic diseases. Identifiers: MedGen C0950123, MeSH D030342.

Submission:

Ambry Genetics
Classification: Uncertain significance for Inborn genetic diseases. Last evaluated: 2025-06-28. Review status: criteria provided, single submitter. Criteria: Ambry Variant Classification Scheme 2023. Collection method: clinical testing. Allele origin: germline.
Comment: The p.F467I variant (also known as c.1399T>A), located in coding exon 5 of the GATA2 gene, results from a T to A substitution at nucleotide position 1399. The phenylalanine at codon 467 is replaced by isoleucine, an amino acid with highly similar properties. This amino acid position is conserved. In addition, this alteration is predicted to be deleterious by in silico analysis. Based on the available evidence, the clinical significance of this variant remains unclear.

NM_032638.5(GATA2):c.1399T>A (p.Phe467Ile)

Gene: GATA2 (GATA binding protein 2; minus strand). Cytogenetic location: 3q21.3.
Variant type: single nucleotide variant.
Coding change: c.1399T>A on transcript NM_032638.5 (MANE Select); coding-DNA position 1399, T replaced by A.
Protein change: p.Phe467Ile; replaces phenylalanine 467 with isoleucine.
Molecular consequence: missense variant.
Genome position (GRCh38, 1-based): chr3:128,481,063, A>T on the plus strand (T>A on the coding strand, the complement: GATA2 is on the minus strand). VCF-style: chr3-128481063-A-T. GRCh37 (hg19) VCF-style: chr3-128199906-A-T.
Other names: c.1399T>A, p.Phe467Ile (NM_001145661.2); c.1357T>A, p.Phe453Ile (NM_001145662.1); short protein forms F453I, F467I.
Identifiers: ClinVar variation 4262119 (VCV004262119.1).